The following is an entry in ClinVar:

ClinVar aggregate classification (germline): Benign. Review status: criteria provided, multiple submitters, no conflicts (2 of 4 stars). 3 submissions from 3 submitters: Benign (2). 1 of the submissions does not count toward it. Last evaluated 2021-06-23.

Conditions:
KDM6B-related disorder. Also called: KDM6B-related condition.

Allele frequency attached by ClinVar (database versions not stated): gnomAD exomes 0.03693; ExAC 0.04185; gnomAD 0.06504 and 0.06741; TOPMed 0.07045; 1000 Genomes Project 0.07288; ESP Exome Variant Server 0.07312; 1000 Genomes Project 30x 0.07839.
gnomAD v4.1: 54,223 of 1,612,362 alleles (3.4%); highest among the groups gnomAD compares: African/African-American, 17%; 1,762 homozygotes.

Submissions (3):

GeneDx
Classification: Benign. Last evaluated: 2021-06-23. Review status: criteria provided, single submitter. Criteria: GeneDx Variant Classification Process June 2021. Collection method: clinical testing. Allele origin: germline. Affected: yes.

Breakthrough Genomics
Classification: Benign. Review status: criteria provided, single submitter. Criteria: ACMG Guidelines, 2015. Collection method: not provided. Allele origin: germline. Inheritance: Autosomal dominant inheritance. Affected: yes.

PreventionGenetics, part of Exact Sciences
Classification: Benign for KDM6B-related condition. Last evaluated: 2019-10-21. Review status: no assertion criteria provided. Collection method: clinical testing. Allele origin: germline. Not counted in ClinVar's aggregate classification.
Comment: This variant is classified as benign based on ACMG/AMP sequence variant interpretation guidelines (Richards et al. 2015 PMID: 25741868, with internal and published modifications).

NM_001348716.2(KDM6B):c.1330A>G (p.Ser444Gly)

Gene: KDM6B (lysine demethylase 6B; plus strand). Cytogenetic location: 17p13.1.
Variant type: single nucleotide variant.
Coding change: c.1330A>G on transcript NM_001348716.2 (MANE Select); coding-DNA position 1330, A replaced by G.
Protein change: p.Ser444Gly; replaces serine 444 with glycine.
Molecular consequence: missense variant.
Genome position (GRCh38, 1-based): chr17:7,847,618, A>G. VCF-style: chr17-7847618-A-G. GRCh37 (hg19) VCF-style: chr17-7750936-A-G.
Other names: c.1330A>G, p.Ser444Gly (NM_001080424.2); short protein forms S444G.
Identifiers: ClinVar variation 1277304 (VCV001277304.4), dbSNP rs73233606, ClinGen allele CA8360613.